The following is an entry in ClinVar:

ClinVar aggregate classification (germline): Likely pathogenic. Review status: criteria provided, multiple submitters, no conflicts (2 of 4 stars). 2 submissions from 2 submitters: Likely pathogenic (2). Last evaluated 2024-09-28.

Conditions:
MHC class II deficiency. Also called: BLS, TYPE II; Bare lymphocyte syndrome 2. Identifiers: Orphanet 572, MedGen C5447452, MONDO:0008855.
Rheumatoid arthritis (RA). Also called: RHEUMATOID ARTHRITIS, SUSCEPTIBILITY TO. Identifiers: MedGen C0003873, MONDO:0008383, OMIM 180300, HP:0001370.
MHC class II deficiency 1 (MHC2D1). Also called: SCID, HLA CLASS II-NEGATIVE; BARE LYMPHOCYTE SYNDROME, TYPE II, COMPLEMENTATION GROUP A; Bare lymphocyte syndrome type 2, complementation group A. Identifiers: MedGen C1859534, MONDO:0971005, OMIM 209920.

Submissions (3):

Labcorp Genetics (formerly Invitae), Labcorp
Classification: Likely pathogenic for MHC class II deficiency. Last evaluated: 2024-09-28. Review status: criteria provided, single submitter. Criteria: Invitae Variant Classification Sherloc (09022015). Collection method: clinical testing. Allele origin: germline.
Comment: This sequence change affects a donor splice site in intron 7 of the CIITA gene. It is expected to disrupt RNA splicing. Variants that disrupt the donor or acceptor splice site typically lead to a loss of protein function (PMID: 16199547), and loss-of-function variants in CIITA are known to be pathogenic (PMID: 8402893, 9099848, 26271388). This variant is not present in population databases (gnomAD no frequency). This variant has not been reported in the literature in individuals affected with CIITA-related conditions. Algorithms developed to predict the effect of sequence changes on RNA splicing suggest that this variant may disrupt the consensus splice site. In summary, the currently available evidence indicates that the variant is pathogenic, but additional data are needed to prove that conclusively. Therefore, this variant has been classified as Likely Pathogenic.

Fulgent Genetics
Classification: Likely pathogenic for Rheumatoid arthritis; MHC class II deficiency 1. Last evaluated: 2024-02-17. Review status: criteria provided, single submitter. Criteria: ACMG Guidelines, 2015. Collection method: clinical testing. Allele origin: germline.

Dr. Peter K. Rogan Lab, Western University
No classification provided (evidence only). Condition: Acute myeloid leukemia. Review status: no classification provided. Collection method: in vitro. Allele origin: not applicable. Functional consequence: retained intron. Not counted in ClinVar's aggregate classification.

Literature cited by the submitters: PubMed 16199547 (cited by Labcorp Genetics (formerly Invitae), Labcorp); PubMed 8402893 (cited by Labcorp Genetics (formerly Invitae), Labcorp); PubMed 9099848 (cited by Labcorp Genetics (formerly Invitae), Labcorp); PubMed 26271388 (cited by Labcorp Genetics (formerly Invitae), Labcorp).

NM_000246.4(CIITA):c.628+1G>A

Gene: CIITA (class II major histocompatibility complex transactivator; plus strand). Cytogenetic location: 16p13.13.
Variant type: single nucleotide variant.
Coding change: c.628+1G>A on transcript NM_000246.4 (MANE Select); the canonical splice donor site of the intron after coding-DNA position 628, G replaced by A.
Molecular consequence: splice donor variant. On other transcripts: intron variant (3).
Genome position (GRCh38, 1-based): chr16:10,902,185, G>A. VCF-style: chr16-10902185-G-A. GRCh37 (hg19) VCF-style: chr16-10996042-G-A.
Other names: c.631+1G>A (NM_001286402.1, NM_001379332.1); c.485-473G>A (NM_001379330.1); c.628+1G>A (NM_001379333.1); c.482-473G>A (NM_001379331.1, NM_001286403.2); c.559+1G>A (NM_001379334.1).
Identifiers: ClinVar variation 3578233 (VCV003578233.4).